The following is an entry in ClinVar:

NM_003482.4(KMT2D):c.4513G>C (p.Val1505Leu)

Gene: KMT2D (lysine methyltransferase 2D; minus strand). Cytogenetic location: 12q13.12.
Variant type: single nucleotide variant.
Coding change: c.4513G>C on transcript NM_003482.4 (MANE Select); coding-DNA position 4513, G replaced by C.
Protein change: p.Val1505Leu; replaces valine 1505 with leucine.
Molecular consequence: missense variant.
Genome position (GRCh38, 1-based): chr12:49,046,330, C>G on the plus strand (G>C on the coding strand, the complement: KMT2D is on the minus strand). VCF-style: chr12-49046330-C-G. GRCh37 (hg19) VCF-style: chr12-49440113-C-G.
Other names: short protein forms V1505L.
Identifiers: ClinVar variation 4993772 (VCV004993772.1).

ClinVar aggregate classification (germline): Uncertain significance (1 of 4 stars; one submission).

Conditions:
KMT2D-related disorder. Also called: KMT2D-Related Disorders.

Submission:

PreventionGenetics, part of Exact Sciences
Classification: Uncertain significance for KMT2D-related condition. Last evaluated: 2025-11-21. Review status: criteria provided, single submitter. Criteria: ACMG Guidelines, 2015. Collection method: clinical testing. Allele origin: germline.
Comment: The KMT2D c.4513G>C variant is predicted to result in the amino acid substitution p.Val1505Leu. To our knowledge, this variant has not been reported in the literature or in a large population database (gnomAD), indicating this variant is rare. At this time, the clinical significance of this variant is uncertain due to the absence of conclusive functional and genetic evidence.